The following is an entry in ClinVar:

NM_000944.5(PPP3CA):c.422C>G (p.Pro141Arg)

Gene: PPP3CA (protein phosphatase 3 catalytic subunit alpha; minus strand). Cytogenetic location: 4q24.
Variant type: single nucleotide variant.
Coding change: c.422C>G on transcript NM_000944.5 (MANE Select); coding-DNA position 422, C replaced by G.
Protein change: p.Pro141Arg; replaces proline 141 with arginine.
Molecular consequence: missense variant.
Genome position (GRCh38, 1-based): chr4:101,099,685, G>C on the plus strand (C>G on the coding strand, the complement: PPP3CA is on the minus strand). VCF-style: chr4-101099685-G-C. GRCh37 (hg19) VCF-style: chr4-102020842-G-C.
Other names: c.422C>G, p.Pro141Arg (NM_001130691.2, NM_001130692.2); short protein forms P141R.
Identifiers: ClinVar variation 1383531 (VCV001383531.6), dbSNP rs2110254789, ClinGen allele CA357950300.

ClinVar aggregate classification (germline): Uncertain significance (1 of 4 stars; one submission).

gnomAD v4.1: 1 of 1,589,212 alleles (0.000063%); highest among the groups gnomAD compares: Non-Finnish European, 0.000086%; no homozygotes.

Submission:

Labcorp Genetics (formerly Invitae), Labcorp
Classification: Uncertain significance. Last evaluated: 2022-07-25. Review status: criteria provided, single submitter. Criteria: Invitae Variant Classification Sherloc (09022015). Collection method: clinical testing. Allele origin: germline.
Comment: In summary, the available evidence is currently insufficient to determine the role of this variant in disease. Therefore, it has been classified as a Variant of Uncertain Significance. This sequence change replaces proline, which is neutral and non-polar, with arginine, which is basic and polar, at codon 141 of the PPP3CA protein (p.Pro141Arg). This variant is not present in population databases (gnomAD no frequency). This variant has not been reported in the literature in individuals affected with PPP3CA-related conditions. ClinVar contains an entry for this variant (Variation ID: 1383531). Algorithms developed to predict the effect of missense changes on protein structure and function (SIFT, PolyPhen-2, Align-GVGD) all suggest that this variant is likely to be tolerated.